The following is an entry in ClinVar:

NM_001232.4(CASQ2):c.287C>G (p.Ala96Gly)

Gene: CASQ2 (calsequestrin 2; minus strand). Cytogenetic location: 1p13.1.
Variant type: single nucleotide variant.
Coding change: c.287C>G on transcript NM_001232.4 (MANE Select); coding-DNA position 287, C replaced by G.
Protein change: p.Ala96Gly; replaces alanine 96 with glycine.
Molecular consequence: missense variant.
Genome position (GRCh38, 1-based): chr1:115,744,860, G>C on the plus strand (C>G on the coding strand, the complement: CASQ2 is on the minus strand). VCF-style: chr1-115744860-G-C. GRCh37 (hg19) VCF-style: chr1-116287481-G-C.
Other names: short protein forms A96G.
Identifiers: ClinVar variation 3678814 (VCV003678814.2).
Genomic context (GRCh38, chr1:115,744,860, plus strand): 5'-CATACAGTATCTCAAAAATCACACTTACCCAGTTTCTTGGCAAGCTTGGCTTCTTTCTTG[G>C]CATCCACCATCACAAAGCCTATAGCTTTATGTTCAAGGACCTGGGCCACAAGCTGAAGAA-3'
Protein context (NP_001223.2, residues 86-106): HKAIGFVMVD[Ala96Gly]KKEAKLAKKL

ClinVar aggregate classification (germline): Uncertain significance (1 of 4 stars; one submission).

Conditions:
Catecholaminergic polymorphic ventricular tachycardia 1. Also called: VENTRICULAR TACHYCARDIA, CATECHOLAMINERGIC POLYMORPHIC, 1, WITH OR WITHOUT ATRIAL DYSFUNCTION AND/OR DILATED CARDIOMYOPATHY; VENTRICULAR TACHYCARDIA, STRESS-INDUCED POLYMORPHIC 1; RYR2-Related Catecholaminergic Polymorphic Ventricular Tachycardia. Identifiers: Orphanet 3286, MedGen C1631597, MONDO:0011484, OMIM 604772.

gnomAD v4.1: 2 of 1,613,666 alleles (0.00012%); no homozygotes.

Submission:

Labcorp Genetics (formerly Invitae), Labcorp
Classification: Uncertain significance for Catecholaminergic polymorphic ventricular tachycardia 1. Last evaluated: 2025-01-23. Review status: criteria provided, single submitter. Criteria: Invitae Variant Classification Sherloc (09022015). Collection method: clinical testing. Allele origin: germline.
Comment: This sequence change replaces alanine, which is neutral and non-polar, with glycine, which is neutral and non-polar, at codon 96 of the CASQ2 protein (p.Ala96Gly). This variant is not present in population databases (gnomAD no frequency). This variant has not been reported in the literature in individuals affected with CASQ2-related conditions. Invitae Evidence Modeling of protein sequence and biophysical properties (such as structural, functional, and spatial information, amino acid conservation, physicochemical variation, residue mobility, and thermodynamic stability) has been performed for this missense variant. However, the output from this modeling did not meet the statistical confidence thresholds required to predict the impact of this variant on CASQ2 protein function. In summary, the available evidence is currently insufficient to determine the role of this variant in disease. Therefore, it has been classified as a Variant of Uncertain Significance.